The following is an entry in ClinVar:

NM_001136472.2(LITAF):c.199C>T (p.Pro67Ser)

Gene: LITAF (lipopolysaccharide induced TNF factor; minus strand). Cytogenetic location: 16p13.13.
Variant type: single nucleotide variant.
Coding change: c.199C>T on transcript NM_001136472.2 (MANE Select); coding-DNA position 199, C replaced by T.
Protein change: p.Pro67Ser; replaces proline 67 with serine.
Molecular consequence: missense variant. On other transcripts: non-coding transcript variant (1).
Genome position (GRCh38, 1-based): chr16:11,556,532, G>A on the plus strand (C>T on the coding strand, the complement: LITAF is on the minus strand). VCF-style: chr16-11556532-G-A. GRCh37 (hg19) VCF-style: chr16-11650388-G-A.
Other names: c.199C>T, p.Pro67Ser (NM_001136473.1, NM_004862.4); short protein forms P67S.
Identifiers: ClinVar variation 917347 (VCV000917347.5), dbSNP rs2064271547, ClinGen allele CA394767896.

ClinVar aggregate classification (germline): Uncertain significance. Review status: criteria provided, multiple submitters, no conflicts (2 of 4 stars). 2 submissions from 2 submitters: Uncertain significance (2). Last evaluated 2022-09-18.

Conditions:
Charcot-Marie-Tooth disease. Also called: Charcot-Marie-Tooth Hereditary Neuropathy; Charcot-Marie-Tooth Neuropathy. Identifiers: Orphanet 166, MedGen C0007959, MONDO:0015626.
Charcot-Marie-Tooth disease type 1C. Also called: Charcot-Marie-Tooth disease, type IC; HMSN IC; CHARCOT-MARIE-TOOTH DISEASE, DEMYELINATING, TYPE 1C; CMT, SLOW NERVE CONDUCTION TYPE C; CHARCOT-MARIE-TOOTH NEUROPATHY, TYPE 1C; NEUROPATHY, HEREDITARY MOTOR AND SENSORY, TYPE IC. Identifiers: Orphanet 101083, MedGen C0270913, MONDO:0010995, OMIM 601098.

Allele frequency attached by ClinVar (database versions not stated): gnomAD exomes 0.00001.
gnomAD v4.1: 3 of 1,614,088 alleles (0.00019%); highest among the groups gnomAD compares: East Asian, 0.0045%; no homozygotes.

Submissions (2):

Labcorp Genetics (formerly Invitae), Labcorp
Classification: Uncertain significance for Charcot-Marie-Tooth disease type 1C. Last evaluated: 2022-09-18. Review status: criteria provided, single submitter. Criteria: Invitae Variant Classification Sherloc (09022015). Collection method: clinical testing. Allele origin: germline.
Comment: In summary, the available evidence is currently insufficient to determine the role of this variant in disease. Therefore, it has been classified as a Variant of Uncertain Significance. Algorithms developed to predict the effect of missense changes on protein structure and function output the following: SIFT: "Tolerated"; PolyPhen-2: "Benign"; Align-GVGD: "Class C0". The serine amino acid residue is found in multiple mammalian species, which suggests that this missense change does not adversely affect protein function. ClinVar contains an entry for this variant (Variation ID: 917347). This missense change has been observed in individual(s) with clinical features of Charcot-Marie-Tooth disease (PMID: 32376792). This variant is not present in population databases (gnomAD no frequency). This sequence change replaces proline, which is neutral and non-polar, with serine, which is neutral and polar, at codon 67 of the LITAF protein (p.Pro67Ser).

Molecular Genetics Laboratory, London Health Sciences Centre
Classification: Uncertain significance for Charcot-Marie-Tooth disease. Review status: criteria provided, single submitter. Criteria: ACMG Guidelines, 2015. Collection method: clinical testing. Allele origin: germline. Affected: yes.

Literature cited by the submitters: PubMed 32376792 (cited by Labcorp Genetics (formerly Invitae), Labcorp).